The following is an entry in ClinVar:

NM_001111.5(ADAR):c.224T>G (p.Phe75Cys)

Gene: ADAR (adenosine deaminase RNA specific; minus strand). Cytogenetic location: 1q21.3.
Variant type: single nucleotide variant.
Coding change: c.224T>G on transcript NM_001111.5 (MANE Select); coding-DNA position 224, T replaced by G.
Protein change: p.Phe75Cys; replaces phenylalanine 75 with cysteine.
Molecular consequence: missense variant. On other transcripts: 5 prime UTR variant (6).
Genome position (GRCh38, 1-based): chr1:154,602,418, A>C on the plus strand (T>G on the coding strand, the complement: ADAR is on the minus strand). VCF-style: chr1-154602418-A-C. GRCh37 (hg19) VCF-style: chr1-154574894-A-C.
Other names: c.224T>G, p.Phe75Cys (LRG_1212t1, NM_015840.4, NM_015841.4); c.-662T>G (NM_001025107.3, NM_001193495.2, NM_001365048.1); c.251T>G, p.Phe84Cys (NM_001365045.1); c.-526T>G (NM_001365046.1, NM_001365047.1, NM_001365049.1); short protein forms F75C, F84C.
Identifiers: ClinVar variation 292786 (VCV000292786.58), dbSNP rs886045345, ClinGen allele CA10608310.

ClinVar aggregate classification (germline): Uncertain significance. Review status: criteria provided, multiple submitters, no conflicts (2 of 4 stars). 4 submissions from 4 submitters: Uncertain significance (4). Last evaluated 2024-04-17.

Conditions:
Symmetrical dyschromatosis of extremities (DSH). Also called: SYMMETRIC DYSCHROMATOSIS OF THE EXTREMITIES; Dyschromatosis symmetrica hereditaria; DYSCHROMATOSIS SYMMETRICA HEREDITARIA 1; RETICULATE ACROPIGMENTATION OF DOHI. Identifiers: Orphanet 41, MedGen C0406775, MONDO:0007483, OMIM 127400.
Aicardi-Goutieres syndrome 6 (AGS6). Identifiers: Orphanet 51, MedGen C3539013, MONDO:0014007, OMIM 615010.

Allele frequency attached by ClinVar (database versions not stated): gnomAD exomes 0.00001.
gnomAD v4.1: 17 of 1,608,230 alleles (0.0011%); highest among the groups gnomAD compares: Non-Finnish European, 0.0014%; no homozygotes.

Submissions (4):

Labcorp Genetics (formerly Invitae), Labcorp
Classification: Uncertain significance for Aicardi-Goutieres syndrome 6; Symmetrical dyschromatosis of extremities. Last evaluated: 2024-04-17. Review status: criteria provided, single submitter. Criteria: Invitae Variant Classification Sherloc (09022015). Collection method: clinical testing. Allele origin: germline.
Comment: This sequence change replaces phenylalanine, which is neutral and non-polar, with cysteine, which is neutral and slightly polar, at codon 75 of the ADAR protein (p.Phe75Cys). This variant is not present in population databases (gnomAD no frequency). This variant has not been reported in the literature in individuals affected with ADAR-related conditions. ClinVar contains an entry for this variant (Variation ID: 292786). An algorithm developed to predict the effect of missense changes on protein structure and function (PolyPhen-2) suggests that this variant is likely to be disruptive. In summary, the available evidence is currently insufficient to determine the role of this variant in disease. Therefore, it has been classified as a Variant of Uncertain Significance.

Genome-Nilou Lab
Classification: Uncertain significance for Aicardi-Goutieres syndrome 6. Last evaluated: 2023-04-11. Review status: criteria provided, single submitter. Criteria: ACMG Guidelines, 2015. Collection method: clinical testing. Allele origin: germline. Affected: no.

Illumina Laboratory Services, Illumina
Classification: Uncertain significance for Symmetrical dyschromatosis of extremities. Last evaluated: 2018-01-12. Review status: criteria provided, single submitter. Criteria: ICSL Variant Classification Criteria 13 December 2019. Collection method: clinical testing. Allele origin: germline.

CeGaT Center for Human Genetics Tuebingen
Classification: Uncertain significance. Last evaluated: 2017-04-01. Review status: criteria provided, single submitter. Criteria: CeGaT Center For Human Genetics Tuebingen Variant Classification Criteria Version 2. Collection method: clinical testing. Allele origin: germline. Affected: yes. Observed: 1 variant allele.